The following is an entry in ClinVar:

NC_000007.13:g.(117175466_117176601)_(117199710_117227792)dup

Gene: CFTR (CF transmembrane conductance regulator; plus strand). Cytogenetic location: 7q31.2.
Variant type: Duplication.
Identifiers: ClinVar variation 2581402 (VCV002581402.1).

ClinVar aggregate classification (germline): Pathogenic (1 of 4 stars; one submission).

Conditions:
Cystic fibrosis (CF). Also called: MUCOVISCIDOSIS. Identifiers: Orphanet 586, MedGen C0010674, MONDO:0009061, OMIM 219700. Disease mechanism: loss of function.

Submission:

Women's Health and Genetics/Laboratory Corporation of America, LabCorp
Classification: Pathogenic for Cystic fibrosis. Last evaluated: 2023-08-28. Review status: criteria provided, single submitter. Criteria: LabCorp Variant Classification Summary - May 2015. Collection method: clinical testing. Allele origin: germline.
Comment: Variant summary: The variant identified by MLPA or other technology involves the duplication of exons 7-11 in the CFTR gene. A presumed nomenclature of c.(743+1_744-1)_(1584+1_1585-1)dup has been designated for the purposes of this classification. It has been assumed that this is a tandem duplication in direct orientation (Richardson_GIM_2018, Newman_AJHG_2015). Although exact breakpoints of this duplication are not known, it is expected to result in a frameshift in the CFTR gene. The variant was absent in 21694 control chromosomes (gnomAD). c.(743+1_744-1)_(1584+1_1585-1)dup has been reported in the literature in multiple individuals affected with Cystic Fibrosis (Hantash_2007, Celestino_Soper_2016, Petrova_2020). These data indicate that the variant is very likely to be associated with disease. The following publications have been ascertained in the context of this evaluation (PMID: 27996019, 17690208, 32429104). No submitters have cited clinical-significance assessments for this variant to ClinVar after 2014. Based on the evidence outlined above, the variant was classified as pathogenic.

Literature cited by the submitters: PubMed 32429104; PubMed 27996019; PubMed 17690208.